The following is an entry in ClinVar:

ClinVar aggregate classification (germline): Uncertain significance. Review status: criteria provided, multiple submitters, no conflicts (2 of 4 stars). 2 submissions from 2 submitters: Uncertain significance (2). Last evaluated 2025-12-03.

Conditions:
Congenital myopathy 4B, autosomal recessive. Also called: Nemaline myopathy 1, autosomal dominant or recessive. Identifiers: Orphanet 171433, Orphanet 171439, Orphanet 171881, MedGen C5829889, MONDO:0012239, OMIM 609284.
Congenital myopathy with fiber type disproportion. Also called: Congenital fiber-type disproportion myopathy; Congenital fiber-type disproportion. Identifiers: Orphanet 2020, MedGen C0546264, MONDO:0009711. Inheritance: all.

Submissions (2):

Labcorp Genetics (formerly Invitae), Labcorp
Classification: Uncertain significance for Congenital myopathy with fiber type disproportion; Congenital myopathy 4B, autosomal recessive. Last evaluated: 2025-12-03. Review status: criteria provided, single submitter. Criteria: Invitae Variant Classification Sherloc (09022015). Collection method: clinical testing. Allele origin: germline.
Comment: This sequence change replaces arginine, which is basic and polar, with cysteine, which is neutral and slightly polar, at codon 239 of the TPM3 protein (p.Arg239Cys). This variant is present in population databases (rs762014803, gnomAD 0.0009%). This variant has not been reported in the literature in individuals affected with TPM3-related conditions. ClinVar contains an entry for this variant (Variation ID: 3378309). Invitae Evidence Modeling of protein sequence and biophysical properties (such as structural, functional, and spatial information, amino acid conservation, physicochemical variation, residue mobility, and thermodynamic stability) has been performed for this missense variant. However, the output from this modeling did not meet the statistical confidence thresholds required to predict the impact of this variant on TPM3 protein function. In summary, the available evidence is currently insufficient to determine the role of this variant in disease. Therefore, it has been classified as a Variant of Uncertain Significance.

GeneDx
Classification: Uncertain significance. Last evaluated: 2024-05-14. Review status: criteria provided, single submitter. Criteria: GeneDx Variant Classification Process June 2021. Collection method: clinical testing. Allele origin: germline. Affected: yes.
Comment: Not observed at significant frequency in large population cohorts (gnomAD); In silico analysis supports that this missense variant has a deleterious effect on protein structure/function; Has not been previously published as pathogenic or benign to our knowledge

NM_152263.4(TPM3):c.715C>T (p.Arg239Cys)

Gene: TPM3 (tropomyosin 3; minus strand). Cytogenetic location: 1q21.3.
Variant type: single nucleotide variant.
Coding change: c.715C>T on transcript NM_152263.4 (MANE Select); coding-DNA position 715, C replaced by T.
Protein change: p.Arg239Cys; replaces arginine 239 with cysteine.
Molecular consequence: missense variant. On other transcripts: non-coding transcript variant (1).
Genome position (GRCh38, 1-based): chr1:154,170,460, G>A on the plus strand (C>T on the coding strand, the complement: TPM3 is on the minus strand). VCF-style: chr1-154170460-G-A. GRCh37 (hg19) VCF-style: chr1-154142936-G-A.
Other names: c.604C>T, p.Arg202Cys (NM_001043351.2, NM_001043352.2, NM_001043353.2 and 4 more transcripts); c.406C>T, p.Arg136Cys (NM_001278188.2); c.541C>T, p.Arg181Cys (NM_001278190.2); c.334C>T, p.Arg112Cys (NM_001278191.2); c.715C>T, p.Arg239Cys (NM_001364679.2, NM_001364680.2, NM_001364681.2 and 1 more transcripts); short protein forms R112C, R136C, R181C, R202C, R239C.
Identifiers: ClinVar variation 3378309 (VCV003378309.2).